The following is an entry in ClinVar:

ClinVar aggregate classification (germline): Conflicting classifications of pathogenicity. Review status: criteria provided, conflicting classifications (1 of 4 stars). 5 submissions from 5 submitters: Pathogenic (1); Likely pathogenic (1); Uncertain significance (3). Last evaluated 2025-09-03.

Conditions:
Ectodermal dysplasia 14, hair/tooth type with or without hypohidrosis. Identifiers: Orphanet 685067, MedGen C4748560, MONDO:0032584, OMIM 618180.
Autosomal recessive nonsyndromic hearing loss 98. Also called: Deafness, autosomal recessive 98. Identifiers: Orphanet 90636, MedGen C3553932, MONDO:0013929, OMIM 614861.
Tooth agenesis, selective, 10 (STHAG10). Identifiers: MedGen C5774277, MONDO:0859339, OMIM 620173.

Allele frequency attached by ClinVar (database versions not stated): TOPMed 0.00005.
gnomAD v4.1: 40 of 1,606,388 alleles (0.0025%); highest among the groups gnomAD compares: Non-Finnish European, 0.0027%; no homozygotes.

Submissions (5):

Labcorp Genetics (formerly Invitae), Labcorp
Classification: Pathogenic. Last evaluated: 2025-09-03. Review status: criteria provided, single submitter. Criteria: Invitae Variant Classification Sherloc (09022015). Collection method: clinical testing. Allele origin: germline.
Comment: This sequence change creates a premature translational stop signal (p.Glu624*) in the TSPEAR gene. While this is not anticipated to result in nonsense mediated decay, it is expected to disrupt the last 46 amino acid(s) of the TSPEAR protein. The frequency data for this variant in the population databases is considered unreliable, as metrics indicate poor data quality at this position in the gnomAD database. This variant has not been reported in the literature in individuals affected with TSPEAR-related conditions. ClinVar contains an entry for this variant (Variation ID: 493326). This variant disrupts a region of the TSPEAR protein in which other variant(s) (p.Phe626Ser) have been determined to be pathogenic (PMID: 30046887; internal data). This suggests that this is a clinically significant region of the protein, and that variants that disrupt it are likely to be disease-causing. For these reasons, this variant has been classified as Pathogenic.

Medical Genetics, Meyer Children Hospital
Classification: Uncertain significance for Ectodermal dysplasia 14, hair/tooth type with or without hypohidrosis; Autosomal recessive nonsyndromic hearing loss 98; Tooth agenesis, selective, 10. Last evaluated: 2025-08-04. Review status: criteria provided, single submitter. Criteria: ACMG Guidelines, 2015. Collection method: clinical testing. Allele origin: biparental. Affected: yes.
Comment: PVS1, PM2, PP5

GeneDx
Classification: Likely pathogenic. Last evaluated: 2025-05-15. Review status: criteria provided, single submitter. Criteria: GeneDx Variant Classification Process June 2021. Collection method: clinical testing. Allele origin: germline. Affected: yes.
Comment: Observed in the apparent homozygous state in a patient with sensorineural hearing loss in the literature but seen as a single heterozygous variant in this individual's sibling with a similar hearing loss (PMID: 34795337); Nonsense variant predicted to result in protein truncation, as the last 46 amino acid(s) are lost, and other loss-of-function variants have been reported downstream in HGMD; This variant is associated with the following publications: (PMID: 34795337)

Blueprint Genetics
Classification: Uncertain significance. Last evaluated: 2024-07-30. Review status: criteria provided, single submitter. Criteria: ACMG Guidelines, 2015. Collection method: clinical testing. Allele origin: germline.

CeGaT Center for Human Genetics Tuebingen
Classification: Uncertain significance. Last evaluated: 2023-05-01. Review status: criteria provided, single submitter. Criteria: CeGaT Center For Human Genetics Tuebingen Variant Classification Criteria Version 2. Collection method: clinical testing. Allele origin: germline. Affected: yes. Observed: 3 variant alleles.
Comment: TSPEAR: PM2

Literature cited by the submitters: PubMed 30046887 (cited by Labcorp Genetics (formerly Invitae), Labcorp).

NM_144991.3(TSPEAR):c.1870G>T (p.Glu624Ter)

Gene: TSPEAR (thrombospondin type laminin G domain and EAR repeats; minus strand). Cytogenetic location: 21q22.3.
Variant type: single nucleotide variant.
Coding change: c.1870G>T on transcript NM_144991.3 (MANE Select); coding-DNA position 1870, G replaced by T.
Protein change: p.Glu624Ter; replaces glutamic acid 624 with a stop codon.
Molecular consequence: nonsense.
Genome position (GRCh38, 1-based): chr21:44,499,923, C>A on the plus strand (G>T on the coding strand, the complement: TSPEAR is on the minus strand). VCF-style: chr21-44499923-C-A. GRCh37 (hg19) VCF-style: chr21-45919806-C-A.
Other names: c.1666G>T, p.Glu556Ter (NM_001272037.2); short protein forms E624*, E556*.
Identifiers: ClinVar variation 493326 (VCV000493326.49), dbSNP rs587717339, ClinGen allele CA10056278.
Genomic context (GRCh38, chr21:44,499,923, plus strand): 5'-TGAAGGCCTCCCAGTCCCTGCAGCCGACGGTGGGGAGGCTGTGCACCGCCACGAAGCCCT[C>A]GTAGCCCTGCCACCTGCGGAACAGACAGCGGCAGCCGGGTCAGCCTGGGCTCTGCGGGGC-3'